The following is an entry in ClinVar:

NM_198578.4(LRRK2):c.4576T>C (p.Cys1526Arg)

Gene: LRRK2 (leucine rich repeat kinase 2; plus strand). Cytogenetic location: 12q12.
Variant type: single nucleotide variant.
Coding change: c.4576T>C on transcript NM_198578.4 (MANE Select); coding-DNA position 4576, T replaced by C.
Protein change: p.Cys1526Arg; replaces cysteine 1526 with arginine.
Molecular consequence: missense variant.
Genome position (GRCh38, 1-based): chr12:40,314,011, T>C. VCF-style: chr12-40314011-T-C. GRCh37 (hg19) VCF-style: chr12-40707813-T-C.
Other names: short protein forms C1526R.
Identifiers: ClinVar variation 1741596 (VCV001741596.2), dbSNP rs2499845766, ClinGen allele CA384418816.

ClinVar aggregate classification (germline): Uncertain significance (1 of 4 stars; one submission).

Conditions:
Inborn genetic diseases. Identifiers: MedGen C0950123, MeSH D030342.

Submission:

Ambry Genetics
Classification: Uncertain significance for Inborn genetic diseases. Last evaluated: 2022-06-24. Review status: criteria provided, single submitter. Criteria: Ambry Variant Classification Scheme 2023. Collection method: clinical testing. Allele origin: germline.
Comment: The p.C1526R variant (also known as c.4576T>C), located in coding exon 32 of the LRRK2 gene, results from a T to C substitution at nucleotide position 4576. The cysteine at codon 1526 is replaced by arginine, an amino acid with highly dissimilar properties. This amino acid position is conserved. In addition, the in silico prediction for this alteration is inconclusive. Since supporting evidence is limited at this time, the clinical significance of this alteration remains unclear.